The following is an entry in ClinVar:

ClinVar aggregate classification (germline): Benign. Review status: criteria provided, multiple submitters, no conflicts (2 of 4 stars). 5 submissions from 5 submitters: Benign (5). Last evaluated 2026-02-04.

Allele frequency attached by ClinVar (database versions not stated): ESP Exome Variant Server 0.28510; TOPMed 0.30994; 1000 Genomes Project 30x 0.37242; 1000 Genomes Project 0.37580.

Submissions (5):

Labcorp Genetics (formerly Invitae), Labcorp
Classification: Benign. Last evaluated: 2026-02-04. Review status: criteria provided, single submitter. Criteria: Invitae Variant Classification Sherloc (09022015). Collection method: clinical testing. Allele origin: germline.

Blueprint Genetics
Classification: Benign. Last evaluated: 2024-11-27. Review status: criteria provided, single submitter. Criteria: ACMG Guidelines, 2015. Collection method: clinical testing. Allele origin: germline.

GeneDx
Classification: Benign. Last evaluated: 2011-06-30. Review status: criteria provided, single submitter. Criteria: GeneDx Variant Classification (06012015). Collection method: clinical testing. Allele origin: germline. Affected: yes.
Comment: This variant is considered likely benign or benign based on one or more of the following criteria: it is a conservative change, it occurs at a poorly conserved position in the protein, it is predicted to be benign by multiple in silico algorithms, and/or has population frequency not consistent with disease.

Breakthrough Genomics
Classification: Benign. Review status: criteria provided, single submitter. Criteria: ACMG Guidelines, 2015. Collection method: not provided. Allele origin: germline. Inheritance: Autosomal recessive inheritance. Affected: yes.

PreventionGenetics, part of Exact Sciences
Classification: Benign. Review status: criteria provided, single submitter. Criteria: ACMG Guidelines, 2015. Collection method: clinical testing. Allele origin: germline.

NM_021830.5(TWNK):c.1734+16C>A

Gene: TWNK (twinkle mtDNA helicase; plus strand). Cytogenetic location: 10q24.31.
Variant type: single nucleotide variant.
Coding change: c.1734+16C>A on transcript NM_021830.5 (MANE Select); 16 bases into the intron after coding-DNA position 1734, C replaced by A.
Molecular consequence: intron variant. On other transcripts: 3 prime UTR variant (2), non-coding transcript variant (3).
Genome position (GRCh38, 1-based): chr10:100,991,026, C>A. VCF-style: chr10-100991026-C-A. GRCh37 (hg19) VCF-style: chr10-102750783-C-A.
Other names: c.*1C>A (NM_001163812.2, NM_001163814.2); c.372+16C>A (NM_001163813.2, NM_001368275.1).
Identifiers: ClinVar variation 136591 (VCV000136591.11), dbSNP rs3740487, ClinGen allele CA289759.
Genomic context (GRCh38, chr10:100,991,026, plus strand): 5'-GATGACAAGGAACTGCAGACAGCGTCCATTTTTGGCTCAGCCAAAGTGAGTGGCCTTTAG[C>A]GGAGCTCAAGCTTTGGAAAATAGAGTGGGTAGGTGTGACCAGGGACAGCCCTCATTCAGC-3'